The following is an entry in ClinVar:

NM_000465.4(BARD1):c.1403C>G (p.Ala468Gly)

Gene: BARD1 (BRCA1 associated RING domain 1; minus strand). Cytogenetic location: 2q35.
Variant type: single nucleotide variant.
Coding change: c.1403C>G on transcript NM_000465.4 (MANE Select); coding-DNA position 1403, C replaced by G.
Protein change: p.Ala468Gly; replaces alanine 468 with glycine.
Molecular consequence: missense variant. On other transcripts: non-coding transcript variant (3), intron variant (3).
Genome position (GRCh38, 1-based): chr2:214,767,647, G>C on the plus strand (C>G on the coding strand, the complement: BARD1 is on the minus strand). VCF-style: chr2-214767647-G-C. GRCh37 (hg19) VCF-style: chr2-215632371-G-C.
Other names: c.1346C>G, p.Ala449Gly (NM_001282543.2); c.159-15092C>G (NM_001282548.2); c.216-15092C>G (NM_001282545.2); c.364+24650C>G (NM_001282549.2); short protein forms A468G, A449G.
Identifiers: ClinVar variation 334194 (VCV000334194.19), dbSNP rs886055599, ClinGen allele CA10614211.

ClinVar aggregate classification (germline): Uncertain significance. Review status: criteria provided, multiple submitters, no conflicts (2 of 4 stars). 2 submissions from 2 submitters: Uncertain significance (2). Last evaluated 2024-12-10.

Conditions:
Hereditary cancer-predisposing syndrome. Also called: Neoplastic Syndromes, Hereditary; Tumor predisposition; Hereditary neoplastic syndrome; Hereditary Cancer Syndrome. Identifiers: Orphanet 140162, MedGen C0027672, MeSH D009386, MONDO:0015356.
Familial cancer of breast. Also called: BREAST CANCER, FAMILIAL; Hereditary breast cancer; hereditary breast carcinoma. Identifiers: Orphanet 227535, MedGen C0346153, MONDO:0016419, OMIM 114480. Disease mechanism: loss of function.

gnomAD v4.1: 1 of 1,613,924 alleles (0.000062%); highest among the groups gnomAD compares: Non-Finnish European, 0.000085%; no homozygotes.

Submissions (2):

Ambry Genetics
Classification: Uncertain significance for Hereditary cancer-predisposing syndrome. Last evaluated: 2024-12-10. Review status: criteria provided, single submitter. Criteria: Ambry Variant Classification Scheme 2023. Collection method: clinical testing. Allele origin: germline.
Comment: The p.A468G variant (also known as c.1403C>G), located in coding exon 6 of the BARD1 gene, results from a C to G substitution at nucleotide position 1403. The alanine at codon 468 is replaced by glycine, an amino acid with similar properties. This amino acid position is highly conserved in available vertebrate species. In addition, this alteration is predicted to be deleterious by in silico analysis. Since supporting evidence is limited at this time, the clinical significance of this alteration remains unclear.

Labcorp Genetics (formerly Invitae), Labcorp
Classification: Uncertain significance for Familial cancer of breast. Last evaluated: 2024-09-06. Review status: criteria provided, single submitter. Criteria: Invitae Variant Classification Sherloc (09022015). Collection method: clinical testing. Allele origin: germline.
Comment: This sequence change replaces alanine, which is neutral and non-polar, with glycine, which is neutral and non-polar, at codon 468 of the BARD1 protein (p.Ala468Gly). This variant is not present in population databases (gnomAD no frequency). This variant has not been reported in the literature in individuals affected with BARD1-related conditions. ClinVar contains an entry for this variant (Variation ID: 334194). An algorithm developed to predict the effect of missense changes on protein structure and function (PolyPhen-2) suggests that this variant is likely to be disruptive. In summary, the available evidence is currently insufficient to determine the role of this variant in disease. Therefore, it has been classified as a Variant of Uncertain Significance.